The following is an entry in ClinVar:

ClinVar aggregate classification (germline): Conflicting classifications of pathogenicity. Review status: criteria provided, conflicting classifications (1 of 4 stars). 2 submissions from 2 submitters: Uncertain significance (1); Likely benign (1). Last evaluated 2025-08-16.

Conditions:
Adams-Oliver syndrome 5 (AOS5). Identifiers: Orphanet 974, MedGen C4014970, MONDO:0014459, OMIM 616028.

Allele frequency attached by ClinVar (database versions not stated): ExAC 0.00001; gnomAD exomes 0.00001; gnomAD 0.00002; ESP Exome Variant Server 0.00008.
gnomAD v4.1: 7 of 1,612,442 alleles (0.00043%); highest among the groups gnomAD compares: East Asian, 0.0067%; no homozygotes.

Submissions (2):

Labcorp Genetics (formerly Invitae), Labcorp
Classification: Likely benign for Adams-Oliver syndrome 5. Last evaluated: 2025-08-16. Review status: criteria provided, single submitter. Criteria: Invitae Variant Classification Sherloc (09022015). Collection method: clinical testing. Allele origin: germline.

GeneDx
Classification: Uncertain significance. Last evaluated: 2023-04-12. Review status: criteria provided, single submitter. Criteria: GeneDx Variant Classification Process June 2021. Collection method: clinical testing. Allele origin: germline. Affected: yes.
Comment: Not observed at significant frequency in large population cohorts (gnomAD); In silico analysis supports that this missense variant has a deleterious effect on protein structure/function; Has not been previously published as pathogenic or benign to our knowledge

NM_017617.5(NOTCH1):c.3503C>T (p.Ser1168Phe)

Gene: NOTCH1 (notch receptor 1; minus strand). Cytogenetic location: 9q34.3.
Variant type: single nucleotide variant.
Coding change: c.3503C>T on transcript NM_017617.5 (MANE Select); coding-DNA position 3503, C replaced by T.
Protein change: p.Ser1168Phe; replaces serine 1168 with phenylalanine.
Molecular consequence: missense variant.
Genome position (GRCh38, 1-based): chr9:136,507,962, G>A on the plus strand (C>T on the coding strand, the complement: NOTCH1 is on the minus strand). VCF-style: chr9-136507962-G-A. GRCh37 (hg19) VCF-style: chr9-139402414-G-A.
Other names: c.3503C>T (NM_017617.3); short protein forms S1168F.
Identifiers: ClinVar variation 1363174 (VCV001363174.6), dbSNP rs375190395, ClinGen allele CA5340913.